The following is an entry in ClinVar:

ClinVar aggregate classification (germline): Uncertain significance. Review status: criteria provided, multiple submitters, no conflicts (2 of 4 stars). 4 submissions from 4 submitters: Uncertain significance (4). Last evaluated 2026-08-07.

Conditions:
Hereditary cancer-predisposing syndrome. Also called: Tumor predisposition; Hereditary Cancer Syndrome; Hereditary neoplastic syndrome; Neoplastic Syndromes, Hereditary. Identifiers: Orphanet 140162, MedGen C0027672, MeSH D009386, MONDO:0015356.
Tuberous sclerosis 1 (TSC1). Identifiers: Orphanet 805, MedGen C1854465, MONDO:0008612, OMIM 191100.
Isolated focal cortical dysplasia type II (FCORD2). Also called: Focal cortical dysplasia type II; CORTICAL DYSPLASIA OF TAYLOR. Identifiers: Orphanet 268994, MedGen C1846385, MONDO:0011818, OMIM 607341, HP:0032051.

Submissions (4):

Ambry Genetics
Classification: Uncertain significance for Hereditary cancer-predisposing syndrome. Last evaluated: 2026-08-07. Review status: criteria provided, single submitter. Criteria: Ambry Variant Classification Scheme 2023. Collection method: clinical testing. Allele origin: germline.
Comment: The p.P396S variant (also known as c.1186C>T), located in coding exon 10 of the TSC1 gene, results from a C to T substitution at nucleotide position 1186. The proline at codon 396 is replaced by serine, an amino acid with similar properties. This amino acid position is highly conserved in available vertebrate species. In addition, the in silico prediction for this alteration is inconclusive. Based on the available evidence, the clinical significance of this variant remains unclear.

Labcorp Genetics (formerly Invitae), Labcorp
Classification: Uncertain significance for Tuberous sclerosis 1. Last evaluated: 2024-08-04. Review status: criteria provided, single submitter. Criteria: Invitae Variant Classification Sherloc (09022015). Collection method: clinical testing. Allele origin: germline.
Comment: This sequence change replaces proline, which is neutral and non-polar, with serine, which is neutral and polar, at codon 396 of the TSC1 protein (p.Pro396Ser). This variant is not present in population databases (gnomAD no frequency). This variant has not been reported in the literature in individuals affected with TSC1-related conditions. ClinVar contains an entry for this variant (Variation ID: 1017520). Advanced modeling of protein sequence and biophysical properties (such as structural, functional, and spatial information, amino acid conservation, physicochemical variation, residue mobility, and thermodynamic stability) performed at Invitae indicates that this missense variant is not expected to disrupt TSC1 protein function with a negative predictive value of 95%. In summary, the available evidence is currently insufficient to determine the role of this variant in disease. Therefore, it has been classified as a Variant of Uncertain Significance.

Baylor Genetics
Classification: Uncertain significance for Isolated focal cortical dysplasia type II. Last evaluated: 2023-05-08. Review status: criteria provided, single submitter. Criteria: ACMG Guidelines, 2015. Collection method: clinical testing. Allele origin: unknown.

Sema4
Classification: Uncertain significance for Hereditary cancer-predisposing syndrome. Last evaluated: 2021-12-18. Review status: criteria provided, single submitter. Criteria: Sema4 Curation Guidelines. Collection method: curation. Allele origin: germline.
Comment: The TSC1 c.1186C>T (p.P396S) variant has not been reported in the literature to our knowledge. It was not observed in the large and broad cohorts of the Genome Aggregation Database (PMID: 32461654). This variant has been reported in ClinVar (Variation ID: 1017520). Functional studies have not been performed, and in silico predictions of the variant's effect on protein function are inconclusive. The evidence is insufficient to meet ACMG/AMP criteria for classifying the variant as benign or pathogenic. Thus, the clinical significance of this variant is currently uncertain.

NM_000368.5(TSC1):c.1186C>T (p.Pro396Ser)

Gene: TSC1 (TSC complex subunit 1; minus strand). Cytogenetic location: 9q34.13.
Variant type: single nucleotide variant.
Coding change: c.1186C>T on transcript NM_000368.5 (MANE Select); coding-DNA position 1186, C replaced by T.
Protein change: p.Pro396Ser; replaces proline 396 with serine.
Molecular consequence: missense variant.
Genome position (GRCh38, 1-based): chr9:132,910,648, G>A on the plus strand (C>T on the coding strand, the complement: TSC1 is on the minus strand). VCF-style: chr9-132910648-G-A. GRCh37 (hg19) VCF-style: chr9-135786035-G-A.
Other names: c.1183C>T, p.Pro395Ser (NM_001162426.2); c.1033C>T, p.Pro345Ser (NM_001162427.2); c.823C>T, p.Pro275Ser (NM_001362177.2); short protein forms P275S, P345S, P395S, P396S.
Identifiers: ClinVar variation 1017520 (VCV001017520.12), dbSNP rs1845904238, ClinGen allele CA375367049.